The following is an entry in ClinVar:

ClinVar aggregate classification (germline): Uncertain significance (1 of 4 stars; one submission).

Submission:

GeneDx
Classification: Uncertain significance. Last evaluated: 2024-03-27. Review status: criteria provided, single submitter. Criteria: GeneDx Variant Classification Process June 2021. Collection method: clinical testing. Allele origin: germline. Affected: yes.
Comment: Not observed at significant frequency in large population cohorts (gnomAD); In silico analysis supports that this missense variant has a deleterious effect on protein structure/function; Has not been previously published as pathogenic or benign to our knowledge

NM_001303256.3(MORC2):c.523T>G (p.Tyr175Asp)

Gene: MORC2 (MORC family CW-type zinc finger 2; minus strand). Cytogenetic location: 22q12.2.
Variant type: single nucleotide variant.
Coding change: c.523T>G on transcript NM_001303256.3 (MANE Select); coding-DNA position 523, T replaced by G.
Protein change: p.Tyr175Asp; replaces tyrosine 175 with aspartic acid.
Molecular consequence: missense variant.
Genome position (GRCh38, 1-based): chr22:30,942,175, A>C on the plus strand (T>G on the coding strand, the complement: MORC2 is on the minus strand). VCF-style: chr22-30942175-A-C. GRCh37 (hg19) VCF-style: chr22-31338162-A-C.
Other names: c.523T>G, p.Tyr175Asp (NM_001303257.2); c.337T>G, p.Tyr113Asp (NM_014941.3); short protein forms Y113D, Y175D.
Identifiers: ClinVar variation 3371781 (VCV003371781.1).